The following is an entry in ClinVar:

NM_002354.3(EPCAM):c.50C>T (p.Thr17Met)

Gene: EPCAM (epithelial cell adhesion molecule; plus strand). Cytogenetic location: 2p21.
Variant type: single nucleotide variant.
Coding change: c.50C>T on transcript NM_002354.3 (MANE Select); coding-DNA position 50, C replaced by T.
Protein change: p.Thr17Met; replaces threonine 17 with methionine.
Molecular consequence: missense variant.
Genome position (GRCh38, 1-based): chr2:47,369,555, C>T. VCF-style: chr2-47369555-C-T. GRCh37 (hg19) VCF-style: chr2-47596694-C-T.
Other names: short protein forms T17M.
Identifiers: ClinVar variation 188106 (VCV000188106.10), dbSNP rs116429842, ClinGen allele CA334054.
Genomic context (GRCh38, chr2:47,369,555, plus strand): 5'-GCGCGCGCAGCATGGCGCCCCCGCAGGTCCTCGCGTTCGGGCTTCTGCTTGCCGCGGCGA[C>T]GGCGACTTTTGCCGCAGCTCAGGAAGGTGAGGCGCGGATTGGAGCAGAGTTGTGGAGCTG-3'
Protein context (NP_002345.2, residues 7-27): LAFGLLLAAA[Thr17Met]ATFAAAQEEC

ClinVar aggregate classification (germline): Uncertain significance. Review status: criteria provided, multiple submitters, no conflicts (2 of 4 stars). 3 submissions from 3 submitters: Uncertain significance (3). Last evaluated 2023-08-17.

Conditions:
Lynch syndrome 8 (LYNCH8). Also called: Colorectal cancer, hereditary nonpolyposis, type 8. Identifiers: Orphanet 144, MedGen C2750471, MONDO:0013196, OMIM 613244.
Hereditary nonpolyposis colorectal neoplasms. Identifiers: MedGen C0009405, MeSH D003123.

Allele frequency attached by ClinVar (database versions not stated): TOPMed 0.00002.
gnomAD v4.1: 95 of 1,588,400 alleles (0.006%); highest among the groups gnomAD compares: Middle Eastern, 0.02%; no homozygotes.

Submissions (3):

St. Jude Molecular Pathology, St. Jude Children's Research Hospital
Classification: Uncertain significance for Lynch syndrome 8. Last evaluated: 2023-08-17. Review status: criteria provided, single submitter. Criteria: St. Jude Assertion Criteria 2020. Collection method: clinical testing. Allele origin: germline.
Comment: The EPCAM c.50C>T (p.Thr17Met) missense variant has a maximum subpopulation frequency of 0.003% in gnomAD v2.1.1. The in silico tool REVEL predicts a benign effect on protein function, but to our knowledge this prediction has not been confirmed by functional studies. To our knowledge, this variant has not been reported in individuals with EPCAM-related disease. In summary, the evidence currently available is insufficient to determine the clinical significance of this variant. It has therefore been classified as of uncertain significance.

Labcorp Genetics (formerly Invitae), Labcorp
Classification: Uncertain significance for Hereditary nonpolyposis colorectal neoplasms. Last evaluated: 2021-09-02. Review status: criteria provided, single submitter. Criteria: Invitae Variant Classification Sherloc (09022015). Collection method: clinical testing. Allele origin: germline.
Comment: This sequence change replaces threonine with methionine at codon 17 of the EPCAM protein (p.Thr17Met). The threonine residue is weakly conserved and there is a moderate physicochemical difference between threonine and methionine. This variant is not present in population databases (ExAC no frequency). This variant has not been reported in the literature in individuals affected with EPCAM-related conditions. In summary, the available evidence is currently insufficient to determine the role of this variant in disease. Therefore, it has been classified as a Variant of Uncertain Significance.

Laboratory for Molecular Medicine, Mass General Brigham Personalized Medicine
Classification: Uncertain significance. Last evaluated: 2018-10-24. Review status: criteria provided, single submitter. Criteria: LMM Criteria. Collection method: clinical testing. Allele origin: germline. Observed: 1 variant allele.
Comment: The p.Thr17Met variant in EPCAM has not been previously reported in affected ind ividuals. This variant has been reported as a variant of uncertain significance in ClinVar (Variation ID# 188106) and has been identified in 0.007% (1/14976) of European chromosomes by the gnomAD. Computat ional prediction tools and conservation analysis suggest that the p.Thr17Met var iant may not impact the protein, though this information is not predictive enoug h to rule out pathogenicity. In summary, this variant is unlikely to be causativ e for autosomal dominant Lynch syndrome which is due to loss of the translation termination signal but it is uncertain significance for autosomal recessive cong enital tufting enteropathy which can be caused by missense and loss of function variants. ACMG/AMP Criteria applied: PM2, BP4.